The following is an entry in ClinVar:

NM_000393.5(COL5A2):c.2311G>A (p.Gly771Arg)

Gene: COL5A2 (collagen type V alpha 2 chain; minus strand). Cytogenetic location: 2q32.2.
Variant type: single nucleotide variant.
Coding change: c.2311G>A on transcript NM_000393.5 (MANE Select); coding-DNA position 2311, G replaced by A.
Protein change: p.Gly771Arg; replaces glycine 771 with arginine.
Molecular consequence: missense variant.
Genome position (GRCh38, 1-based): chr2:189,057,346, C>T on the plus strand (G>A on the coding strand, the complement: COL5A2 is on the minus strand). VCF-style: chr2-189057346-C-T. GRCh37 (hg19) VCF-style: chr2-189922072-C-T.
Other names: c.2311G>A (NM_000393.3); short protein forms G771R.
Identifiers: ClinVar variation 1060146 (VCV001060146.11), dbSNP rs1357408674, ClinGen allele CA349873863.

ClinVar aggregate classification (germline): Uncertain significance. Review status: criteria provided, multiple submitters, no conflicts (2 of 4 stars). 2 submissions from 2 submitters: Uncertain significance (2). Last evaluated 2026-08-10.

Conditions:
Familial thoracic aortic aneurysm and aortic dissection (TAAD). Also called: Thoracic aortic aneurysms and dissections. Identifiers: Orphanet 91387, MedGen C4707243, MONDO:0019625.
Ehlers-Danlos syndrome, classic type, 1 (EDSCL1). Also called: Ehlers-Danlos syndrome, type 1; EDS I; EHLERS-DANLOS SYNDROME, GRAVIS TYPE; EHLERS-DANLOS SYNDROME, SEVERE CLASSIC TYPE; Ehlers-Danlos Syndrome, Classic Type, COL5A1-Related. Identifiers: MedGen C0268335, MONDO:0019567, OMIM 130000.

Allele frequency attached by ClinVar (database versions not stated): gnomAD exomes 0.00001 and below 0.00001.
gnomAD v4.1: 12 of 1,606,808 alleles (0.00075%); highest among the groups gnomAD compares: Non-Finnish European, 0.001%; no homozygotes.

Submissions (2):

Ambry Genetics
Classification: Uncertain significance for Familial thoracic aortic aneurysm and aortic dissection. Last evaluated: 2026-08-10. Review status: criteria provided, single submitter. Criteria: Ambry Variant Classification Scheme 2023. Collection method: clinical testing. Allele origin: germline.
Comment: The p.G771R variant (also known as c.2311G>A), located in coding exon 34 of the COL5A2 gene, results from a G to A substitution at nucleotide position 2311. The glycine at codon 771 is replaced by arginine, an amino acid with dissimilar properties. This amino acid position is conserved. In addition, this alteration is predicted to be deleterious by in silico analysis. Based on the available evidence, the clinical significance of this variant remains unclear.

Labcorp Genetics (formerly Invitae), Labcorp
Classification: Uncertain significance for Ehlers-Danlos syndrome, classic type, 1. Last evaluated: 2025-01-01. Review status: criteria provided, single submitter. Criteria: Invitae Variant Classification Sherloc (09022015). Collection method: clinical testing. Allele origin: germline.
Comment: This sequence change replaces glycine, which is neutral and non-polar, with arginine, which is basic and polar, at codon 771 of the COL5A2 protein (p.Gly771Arg). This variant is present in population databases (no rsID available, gnomAD 0.0009%). This variant has not been reported in the literature in individuals affected with COL5A2-related conditions. ClinVar contains an entry for this variant (Variation ID: 1060146). Invitae Evidence Modeling of protein sequence and biophysical properties (such as structural, functional, and spatial information, amino acid conservation, physicochemical variation, residue mobility, and thermodynamic stability) indicates that this missense variant is expected to disrupt COL5A2 protein function with a positive predictive value of 80%. In summary, the available evidence is currently insufficient to determine the role of this variant in disease. Therefore, it has been classified as a Variant of Uncertain Significance.